The following is an entry in ClinVar:

ClinVar aggregate classification (germline): Uncertain significance (1 of 4 stars; one submission).

Conditions:
Hereditary cancer-predisposing syndrome. Also called: Neoplastic Syndromes, Hereditary; Tumor predisposition; Hereditary Cancer Syndrome; Hereditary neoplastic syndrome. Identifiers: Orphanet 140162, MedGen C0027672, MeSH D009386, MONDO:0015356.

Submission:

Ambry Genetics
Classification: Uncertain significance for Hereditary cancer-predisposing syndrome. Last evaluated: 2022-07-21. Review status: criteria provided, single submitter. Criteria: Ambry Variant Classification Scheme 2023. Collection method: clinical testing. Allele origin: germline.
Comment: The p.V557F variant (also known as c.1669G>T), located in coding exon 13 of the SDHA gene, results from a G to T substitution at nucleotide position 1669. The valine at codon 557 is replaced by phenylalanine, an amino acid with highly similar properties. This amino acid position is conserved. In addition, this alteration is predicted to be deleterious by in silico analysis. Since supporting evidence is limited at this time, the clinical significance of this alteration remains unclear.

NM_004168.4(SDHA):c.1669G>T (p.Val557Phe)

Gene: SDHA (succinate dehydrogenase complex flavoprotein subunit A; plus strand). Cytogenetic location: 5p15.33.
Variant type: single nucleotide variant.
Coding change: c.1669G>T on transcript NM_004168.4 (MANE Select); coding-DNA position 1669, G replaced by T.
Protein change: p.Val557Phe; replaces valine 557 with phenylalanine.
Molecular consequence: missense variant. On other transcripts: intron variant (1).
Genome position (GRCh38, 1-based): chr5:251,343, G>T. VCF-style: chr5-251343-G-T. GRCh37 (hg19) VCF-style: chr5-251458-G-T.
Other names: c.1525G>T, p.Val509Phe (NM_001294332.2); c.1552-3050G>T (NM_001330758.2); short protein forms V557F, V509F.
Identifiers: ClinVar variation 1777638 (VCV001777638.2), dbSNP rs2477457646, ClinGen allele CA358999854.